The following is an entry in ClinVar:

NM_004369.4(COL6A3):c.8931del (p.Ala2978fs)

Gene: COL6A3 (collagen type VI alpha 3 chain; minus strand). Cytogenetic location: 2q37.3.
Variant type: Deletion.
Coding change: c.8931del on transcript NM_004369.4 (MANE Select); coding-DNA position 8931, one base deleted (A; older notation c.8931delA).
Protein change: p.Ala2978fs; shifts the reading frame from alanine 2978.
Molecular consequence: frameshift variant.
Genome position (GRCh38, 1-based): chr2:237,336,169, T deleted on the plus strand (A on the coding strand, the reverse complement: COL6A3 is on the minus strand). VCF-style (leftmost placement, unchanged base first): chr2-237336168-CT-C. GRCh37 (hg19) VCF-style: chr2-238244811-CT-C.
Other names: c.7110del, p.Ala2371fs (NM_057166.5); c.8313del, p.Ala2772fs (NM_057167.4); c.8931delA (NM_004369.3); short protein forms A2371fs, A2772fs, A2978fs.
Identifiers: ClinVar variation 452584 (VCV000452584.12), dbSNP rs1553544667, ClinGen allele CA658657257.
Genomic context (GRCh38, chr2:237,336,168, plus strand): 5'-TGGCAGCCCTAGCAAGGGCTTTCTTACCCATGGGCTTAGTGGTGGCTGGCTTGGTGGCAG[CT>C]GGTTTGGCTGCCTGTGGCCTAGGGACCTCAGGCTTGGTCGCCACTGGTTTTGCAGCAGCA-3'

ClinVar aggregate classification (germline): Pathogenic. Review status: criteria provided, multiple submitters, no conflicts (2 of 4 stars). 2 submissions from 2 submitters: Pathogenic (2). Last evaluated 2022-08-15.

Conditions:
Bethlem myopathy 1A. Also called: MYOPATHY, BENIGN CONGENITAL, WITH CONTRACTURES; Bethlem myopathy 1; Bethlem Muscular Dystrophy. Identifiers: Orphanet 610, MedGen CN029274, MONDO:0024530, OMIM 158810.

Submissions (2):

Labcorp Genetics (formerly Invitae), Labcorp
Classification: Pathogenic for Bethlem myopathy 1A. Last evaluated: 2022-08-15. Review status: criteria provided, single submitter. Criteria: Invitae Variant Classification Sherloc (09022015). Collection method: clinical testing. Allele origin: germline.
Comment: For these reasons, this variant has been classified as Pathogenic. ClinVar contains an entry for this variant (Variation ID: 452584). This variant has not been reported in the literature in individuals affected with COL6A3-related conditions. This variant is not present in population databases (gnomAD no frequency). This sequence change creates a premature translational stop signal (p.Ala2978Leufs*23) in the COL6A3 gene. It is expected to result in an absent or disrupted protein product. Loss-of-function variants in COL6A3 are known to be pathogenic (PMID: 26004199).

GeneDx
Classification: Pathogenic. Last evaluated: 2017-11-01. Review status: criteria provided, single submitter. Criteria: GeneDx Variant Classification (06012015). Collection method: clinical testing. Allele origin: germline. Affected: yes.
Comment: The c.8931delA pathogenic variant in the COL6A3 gene causes a frameshift starting with codon Alanine 2978, changes this amino acid to a Leucine residue and creates a premature Stop codon at position 23 of the new readingframe, denoted p.Ala2978LeufsX23. This variant is predicted to cause loss of normal protein function either throughprotein truncation or nonsense-mediated mRNA decay. Furthermore, the c.8931delA variant is not observed in largepopulation cohorts (Lek et al., 2016). Although this pathogenic variant has not been previously reported to our knowledge, we interpret c.8931delA as a pathogenic variant.

Literature cited by the submitters: PubMed 26004199 (cited by Labcorp Genetics (formerly Invitae), Labcorp).